The following is an entry in ClinVar:

NM_002769.5(PRSS1):c.167A>G (p.Gln56Arg)

Genes: TRB (T cell receptor beta locus; plus strand), PRSS1 (serine protease 1; plus strand). Cytogenetic location: 7q34.
Variant type: single nucleotide variant.
Coding change: c.167A>G on transcript NM_002769.5 (MANE Select); coding-DNA position 167, A replaced by G.
Protein change: p.Gln56Arg; replaces glutamine 56 with arginine.
Molecular consequence: missense variant. On other transcripts: non-coding transcript variant (4).
Genome position (GRCh38, 1-based): chr7:142,750,681, A>G. VCF-style: chr7-142750681-A-G. GRCh37 (hg19) VCF-style: chr7-142458532-A-G.
Other names: short protein forms Q56R.
Identifiers: ClinVar variation 1777860 (VCV001777860.4), dbSNP rs1338095991, ClinGen allele CA369607477.

ClinVar aggregate classification (germline): Uncertain significance. Review status: criteria provided, multiple submitters, no conflicts (2 of 4 stars). 2 submissions from 2 submitters: Uncertain significance (2). Last evaluated 2025-01-30.

Conditions:
Hereditary pancreatitis (PCTT). Also called: Hereditary chronic pancreatitis; PRSS1-Related Hereditary Pancreatitis. Identifiers: Orphanet 676, MedGen C0238339, MONDO:0008185, OMIM 167800.

Allele frequency attached by ClinVar (database versions not stated): gnomAD exomes below 0.00001.
gnomAD v4.1: 1 of 1,613,900 alleles (0.000062%); highest among the groups gnomAD compares: Non-Finnish European, 0.000085%; no homozygotes.

Submissions (2):

Labcorp Genetics (formerly Invitae), Labcorp
Classification: Uncertain significance for Hereditary pancreatitis. Last evaluated: 2025-01-30. Review status: criteria provided, single submitter. Criteria: Invitae Variant Classification Sherloc (09022015). Collection method: clinical testing. Allele origin: germline.
Comment: This sequence change replaces glutamine, which is neutral and polar, with arginine, which is basic and polar, at codon 56 of the PRSS1 protein (p.Gln56Arg). The frequency data for this variant in the population databases is considered unreliable, as metrics indicate poor data quality at this position in the gnomAD database. This variant has not been reported in the literature in individuals affected with PRSS1-related conditions. ClinVar contains an entry for this variant (Variation ID: 1777860). Invitae Evidence Modeling of protein sequence and biophysical properties (such as structural, functional, and spatial information, amino acid conservation, physicochemical variation, residue mobility, and thermodynamic stability) indicates that this missense variant is not expected to disrupt PRSS1 protein function with a negative predictive value of 80%. Algorithms developed to predict the effect of sequence changes on RNA splicing suggest that this variant may disrupt the consensus splice site. In summary, the available evidence is currently insufficient to determine the role of this variant in disease. Therefore, it has been classified as a Variant of Uncertain Significance.

Ambry Genetics
Classification: Uncertain significance for Hereditary pancreatitis. Last evaluated: 2022-04-05. Review status: criteria provided, single submitter. Criteria: Ambry Variant Classification Scheme 2023. Collection method: clinical testing. Allele origin: germline.
Comment: The p.Q56R variant (also known as c.167A>G), located in coding exon 2 of the PRSS1 gene, results from an A to G substitution at nucleotide position 167. The glutamine at codon 56 is replaced by arginine, an amino acid with highly similar properties. This amino acid position is not well conserved in available vertebrate species. In addition, this alteration is predicted to be tolerated by in silico analysis. Since supporting evidence is limited at this time, the clinical significance of this alteration remains unclear.